The following is an entry in ClinVar:

NM_144643.4(SCLT1):c.550-14C>G

Gene: SCLT1 (sodium channel and clathrin linker 1; minus strand). Cytogenetic location: 4q28.2.
Variant type: single nucleotide variant.
Coding change: c.550-14C>G on transcript NM_144643.4 (MANE Select); 14 bases into the intron before coding-DNA position 550, C replaced by G.
Molecular consequence: intron variant.
Genome position (GRCh38, 1-based): chr4:128,997,953, G>C on the plus strand (C>G on the coding strand, the complement: SCLT1 is on the minus strand). VCF-style: chr4-128997953-G-C. GRCh37 (hg19) VCF-style: chr4-129919108-G-C.
Identifiers: ClinVar variation 1511688 (VCV001511688.3), dbSNP rs371007550, ClinGen allele CA3079892.

ClinVar aggregate classification (germline): Uncertain significance (1 of 4 stars; one submission).

Allele frequency attached by ClinVar (database versions not stated): gnomAD exomes below 0.00001; ExAC 0.00001; TOPMed 0.00001; gnomAD 0.00002; ESP Exome Variant Server 0.00008.
gnomAD v4.1: 6 of 1,386,440 alleles (0.00043%); highest among the groups gnomAD compares: Non-Finnish European, 0.00058%; no homozygotes.

Submission:

Labcorp Genetics (formerly Invitae), Labcorp
Classification: Uncertain significance. Last evaluated: 2022-03-12. Review status: criteria provided, single submitter. Criteria: Invitae Variant Classification Sherloc (09022015). Collection method: clinical testing. Allele origin: germline.
Comment: This sequence change falls in intron 7 of the SCLT1 gene. It does not directly change the encoded amino acid sequence of the SCLT1 protein. This variant is present in population databases (rs371007550, gnomAD 0.001%). This variant has not been reported in the literature in individuals affected with SCLT1-related conditions. Algorithms developed to predict the effect of sequence changes on RNA splicing suggest that this variant may disrupt the consensus splice site. In summary, the available evidence is currently insufficient to determine the role of this variant in disease. Therefore, it has been classified as a Variant of Uncertain Significance.